The following is an entry in ClinVar:

NM_017617.5(NOTCH1):c.4441_4443del (p.Leu1481del)

Gene: NOTCH1 (notch receptor 1; minus strand). Cytogenetic location: 9q34.3.
Variant type: Deletion.
Coding change: c.4441_4443del on transcript NM_017617.5 (MANE Select); coding-DNA positions 4441 to 4443, 3 bases deleted (CTC; older notation c.4441_4443delCTC).
Protein change: p.Leu1481del; deletes leucine 1481.
Genome position (GRCh38, 1-based): chr9:136,505,453-136,505,455, GAG deleted on the plus strand (CTC on the coding strand, the reverse complement: NOTCH1 is on the minus strand); deleting any 3 consecutive bases within chr9:136,505,453-136,505,456 gives the same sequence; the c. name uses the placement nearest the transcript's 3' end. VCF-style (leftmost placement, unchanged base first): chr9-136505452-TGAG-T. GRCh37 (hg19) VCF-style: chr9-139399904-TGAG-T.
Other names: short protein forms L1481del.
Identifiers: ClinVar variation 3651000 (VCV003651000.2).

ClinVar aggregate classification (germline): Uncertain significance (1 of 4 stars; one submission).

Conditions:
Adams-Oliver syndrome 5 (AOS5). Identifiers: Orphanet 974, MedGen C4014970, MONDO:0014459, OMIM 616028.

Submission:

Labcorp Genetics (formerly Invitae), Labcorp
Classification: Uncertain significance for Adams-Oliver syndrome 5. Last evaluated: 2024-04-25. Review status: criteria provided, single submitter. Criteria: Invitae Variant Classification Sherloc (09022015). Collection method: clinical testing. Allele origin: germline.
Comment: This variant, c.4441_4443del, results in the deletion of 1 amino acid(s) of the NOTCH1 protein (p.Leu1481del), but otherwise preserves the integrity of the reading frame. This variant is not present in population databases (gnomAD no frequency). This variant has not been reported in the literature in individuals affected with NOTCH1-related conditions. Experimental studies and prediction algorithms are not available or were not evaluated, and the functional significance of this variant is currently unknown. In summary, the available evidence is currently insufficient to determine the role of this variant in disease. Therefore, it has been classified as a Variant of Uncertain Significance.